The following is an entry in ClinVar:

NM_006445.4(PRPF8):c.890_891delinsGC (p.Asn297Ser)

Gene: PRPF8 (pre-mRNA processing factor 8; minus strand). Cytogenetic location: 17p13.3.
Variant type: Indel.
Coding change: c.890_891delinsGC on transcript NM_006445.4 (MANE Select); coding-DNA positions 890 to 891, AT replaced by GC.
Protein change: p.Asn297Ser; replaces asparagine 297 with serine.
Molecular consequence: missense variant.
Genome position (GRCh38, 1-based): chr17:1,681,030-1,681,031, AT replaced by GC on the plus strand (AT replaced by GC on the coding strand, the reverse complement: PRPF8 is on the minus strand). VCF-style: chr17-1681030-AT-GC. GRCh37 (hg19) VCF-style: chr17-1584324-AT-GC.
Other names: short protein forms N297S.
Identifiers: ClinVar variation 1485961 (VCV001485961.6), dbSNP rs2151131273, ClinGen allele CA2573153180.

ClinVar aggregate classification (germline): Uncertain significance (1 of 4 stars; one submission).

Submission:

Labcorp Genetics (formerly Invitae), Labcorp
Classification: Uncertain significance. Last evaluated: 2022-02-01. Review status: criteria provided, single submitter. Criteria: Invitae Variant Classification Sherloc (09022015). Collection method: clinical testing. Allele origin: germline.
Comment: This sequence change replaces asparagine, which is neutral and polar, with serine, which is neutral and polar, at codon 297 of the PRPF8 protein (p.Asn297Ser). This variant is present in population databases (no rsID available, gnomAD 0.04%). This variant has not been reported in the literature in individuals affected with PRPF8-related conditions. Algorithms developed to predict the effect of missense changes on protein structure and function are either unavailable or do not agree on the potential impact of this missense change (SIFT: "Not Available"; PolyPhen-2: "Probably Damaging"; Align-GVGD: "Not Available"). In summary, the available evidence is currently insufficient to determine the role of this variant in disease. Therefore, it has been classified as a Variant of Uncertain Significance.